The following is an entry in ClinVar:

ClinVar aggregate classification (germline): Uncertain significance. Review status: criteria provided, multiple submitters, no conflicts (2 of 4 stars). 2 submissions from 2 submitters: Uncertain significance (2). Last evaluated 2022-12-22.

Conditions:
Neurofibromatosis, type 1 (NF1). Also called: Neurofibromatosis, type I; VON RECKLINGHAUSEN DISEASE; Peripheral type neurofibromatosis; NEUROFIBROMATOSIS, TYPE I, SOMATIC. Identifiers: Orphanet 636, MedGen C0027831, MONDO:0018975, OMIM 162200. Disease mechanism: loss of function.

Submissions (2):

GeneDx
Classification: Uncertain significance. Last evaluated: 2022-12-22. Review status: criteria provided, single submitter. Criteria: GeneDx Variant Classification Process June 2021. Collection method: clinical testing. Allele origin: germline. Affected: yes.
Comment: Not observed at significant frequency in large population cohorts (gnomAD); In silico analysis supports that this missense variant does not alter protein structure/function; Has not been previously published as pathogenic or benign to our knowledge; This variant is associated with the following publications: (PMID: 25486365, 22807134)

Labcorp Genetics (formerly Invitae), Labcorp
Classification: Uncertain significance for Neurofibromatosis, type 1. Last evaluated: 2019-12-04. Review status: criteria provided, single submitter. Criteria: Invitae Variant Classification Sherloc (09022015). Collection method: clinical testing. Allele origin: germline.
Comment: This variant has not been reported in the literature in individuals with NF1-related conditions. Algorithms developed to predict the effect of missense changes on protein structure and function (SIFT, PolyPhen-2, Align-GVGD) all suggest that this variant is likely to be tolerated, but these predictions have not been confirmed by published functional studies and their clinical significance is uncertain. This variant is not present in population databases (ExAC no frequency). In summary, the available evidence is currently insufficient to determine the role of this variant in disease. Therefore, it has been classified as a Variant of Uncertain Significance. This sequence change replaces alanine with glutamic acid at codon 1403 of the NF1 protein (p.Ala1403Glu). The alanine residue is moderately conserved and there is a moderate physicochemical difference between alanine and glutamic acid.

NM_001042492.3(NF1):c.4271C>A (p.Ala1424Glu)

Gene: NF1 (neurofibromin 1; plus strand). Cytogenetic location: 17q11.2.
Variant type: single nucleotide variant.
Coding change: c.4271C>A on transcript NM_001042492.3 (MANE Select); coding-DNA position 4271, C replaced by A.
Protein change: p.Ala1424Glu; replaces alanine 1424 with glutamic acid.
Molecular consequence: missense variant.
Genome position (GRCh38, 1-based): chr17:31,258,441, C>A. VCF-style: chr17-31258441-C-A. GRCh37 (hg19) VCF-style: chr17-29585459-C-A.
Other names: c.4208C>A, p.Ala1403Glu (NM_000267.4); short protein forms A1403E, A1424E.
Identifiers: ClinVar variation 856529 (VCV000856529.7), dbSNP rs2067623060, ClinGen allele CA398997969.
Genomic context (GRCh38, chr17:31,258,441, plus strand): 5'-CAGTAGGAAGTGCCATGTTCCTCAGATTTATCAATCCTGCCATTGTCTCACCGTATGAAG[C>A]AGGGATTTTAGATAAAAAGCCACCACCTAGAATCGAAAGGGGCTTGAAGTTAATGTCAAA-3'
Protein context (NP_001035957.1, residues 1414-1434): INPAIVSPYE[Ala1424Glu]GILDKKPPPR